The following is an entry in ClinVar:

NM_000059.4(BRCA2):c.5257T>G (p.Ser1753Ala)

Gene: BRCA2 (BRCA2 DNA repair associated; plus strand). Cytogenetic location: 13q13.1.
Variant type: single nucleotide variant.
Coding change: c.5257T>G on transcript NM_000059.4 (MANE Select); coding-DNA position 5257, T replaced by G.
Protein change: p.Ser1753Ala; replaces serine 1753 with alanine.
Molecular consequence: missense variant. On other transcripts: non-coding transcript variant (1), intron variant (2).
Genome position (GRCh38, 1-based): chr13:32,339,612, T>G. VCF-style: chr13-32339612-T-G. GRCh37 (hg19) VCF-style: chr13-32913749-T-G.
Other names: c.5257T>G, p.Ser1753Ala (NM_001406719.1, NM_001406720.1); c.1910-4946T>G (NM_001406721.1); c.425-4946T>G (NM_001406722.1); short protein forms S1753A.
Identifiers: ClinVar variation 3227343 (VCV003227343.1), dbSNP rs2137515667, ClinGen allele CA387784719.

ClinVar aggregate classification (germline): Uncertain significance (1 of 4 stars; one submission).

Conditions:
Hereditary cancer-predisposing syndrome. Also called: Neoplastic Syndromes, Hereditary; Tumor predisposition; Hereditary neoplastic syndrome; Hereditary Cancer Syndrome. Identifiers: Orphanet 140162, MedGen C0027672, MeSH D009386, MONDO:0015356.

Submission:

Ambry Genetics
Classification: Uncertain significance for Hereditary cancer-predisposing syndrome. Last evaluated: 2023-12-31. Review status: criteria provided, single submitter. Criteria: Ambry Variant Classification Scheme 2023. Collection method: clinical testing. Allele origin: germline.
Comment: The p.S1753A variant (also known as c.5257T>G), located in coding exon 10 of the BRCA2 gene, results from a T to G substitution at nucleotide position 5257. The serine at codon 1753 is replaced by alanine, an amino acid with similar properties. This amino acid position is conserved. In addition, this alteration is predicted to be tolerated by in silico analysis. Since supporting evidence is limited at this time, the clinical significance of this alteration remains unclear.